The following is an entry in ClinVar:

ClinVar aggregate classification (germline): Likely benign. Review status: criteria provided, multiple submitters, no conflicts (2 of 4 stars). 2 submissions from 2 submitters: Likely benign (2). Last evaluated 2026-08-07.

Conditions:
ACOX1-related disorder. Also called: ACOX1-related disorders; ACOX1-related condition.
Acyl-CoA oxidase deficiency. Also called: Peroxisomal acyl-CoA oxidase deficiency; STRAIGHT-CHAIN ACYL-CoA OXIDASE DEFICIENCY; Pseudoneonatal adrenoleukodystrophy. Identifiers: Orphanet 2971, MedGen C1849678, MONDO:0009919, OMIM 264470. Disease mechanism: loss of function.

Allele frequency attached by ClinVar (database versions not stated): gnomAD exomes below 0.00001; gnomAD 0.00002; TOPMed 0.00003.
gnomAD v4.1: 5 of 1,614,090 alleles (0.00031%); highest among the groups gnomAD compares: African/African-American, 0.0053%; no homozygotes.

Submissions (2):

PreventionGenetics, part of Exact Sciences
Classification: Likely benign for ACOX1-related condition. Last evaluated: 2026-08-07. Review status: criteria provided, single submitter. Criteria: ACMG Guidelines, 2015. Collection method: clinical testing. Allele origin: germline.
Comment: This variant is classified as likely benign based on ACMG/AMP sequence variant interpretation guidelines (Richards et al. 2015 PMID: 25741868, with internal and published modifications).

Labcorp Genetics (formerly Invitae), Labcorp
Classification: Likely benign for Acyl-CoA oxidase deficiency. Last evaluated: 2024-02-29. Review status: criteria provided, single submitter. Criteria: Invitae Variant Classification Sherloc (09022015). Collection method: clinical testing. Allele origin: germline.

NM_004035.7(ACOX1):c.1395A>G (p.Pro465=)

Gene: ACOX1 (acyl-CoA oxidase 1; minus strand). Cytogenetic location: 17q25.1.
Variant type: single nucleotide variant.
Coding change: c.1395A>G on transcript NM_004035.7 (MANE Select); coding-DNA position 1395, A replaced by G.
Protein change: p.Pro465=; no amino-acid change (proline 465 retained).
Molecular consequence: synonymous variant.
Genome position (GRCh38, 1-based): chr17:75,949,801, T>C on the plus strand (A>G on the coding strand, the complement: ACOX1 is on the minus strand). VCF-style: chr17-75949801-T-C. GRCh37 (hg19) VCF-style: chr17-73945882-T-C.
Other names: c.1395A>G (NM_004035.6); c.1281A>G, p.Pro427= (NM_001185039.2); c.1395A>G, p.Pro465= (NM_007292.6).
Identifiers: ClinVar variation 1112306 (VCV001112306.10), dbSNP rs960281087, ClinGen allele CA294106266.